The following is an entry in ClinVar:

NM_004336.5(BUB1):c.385C>A (p.Gln129Lys)

Gene: BUB1 (BUB1 mitotic checkpoint serine/threonine kinase; minus strand). Cytogenetic location: 2q13.
Variant type: single nucleotide variant.
Coding change: c.385C>A on transcript NM_004336.5 (MANE Select); coding-DNA position 385, C replaced by A.
Protein change: p.Gln129Lys; replaces glutamine 129 with lysine.
Molecular consequence: missense variant.
Genome position (GRCh38, 1-based): chr2:110,672,698, G>T on the plus strand (C>A on the coding strand, the complement: BUB1 is on the minus strand). VCF-style: chr2-110672698-G-T. GRCh37 (hg19) VCF-style: chr2-111430275-G-T.
Other names: c.325C>A, p.Gln109Lys (NM_001278616.2); c.385C>A, p.Gln129Lys (NM_001278617.2); short protein forms Q109K, Q129K.
Identifiers: ClinVar variation 2451254 (VCV002451254.2), dbSNP rs1324060028, ClinGen allele CA348220410.

ClinVar aggregate classification (germline): Uncertain significance (1 of 4 stars; one submission).

gnomAD v4.1: 3 of 1,608,186 alleles (0.00019%); highest among the groups gnomAD compares: Non-Finnish European, 0.00025%; no homozygotes.

Submission:

Ambry Genetics
Classification: Uncertain significance. Last evaluated: 2023-01-12. Review status: criteria provided, single submitter. Criteria: Ambry Variant Classification Scheme 2023. Collection method: clinical testing. Allele origin: germline.
Comment: The p.Q129K variant (also known as c.385C>A), located in coding exon 4 of the BUB1 gene, results from a C to A substitution at nucleotide position 385. The glutamine at codon 129 is replaced by lysine, an amino acid with similar properties. This amino acid position is conserved. In addition, this alteration is predicted to be tolerated by in silico analysis. Since supporting evidence is limited at this time, the clinical significance of this alteration remains unclear.